The following is an entry in ClinVar:

NM_005572.4(LMNA):c.1714C>T (p.Arg572Cys)

Gene: LMNA (lamin A/C; plus strand). Cytogenetic location: 1q22.
Variant type: single nucleotide variant.
Coding change: c.1714C>T on transcript NM_005572.4 (MANE Plus Clinical); coding-DNA position 1714, C replaced by T.
Protein change: p.Arg572Cys; replaces arginine 572 with cysteine.
Molecular consequence: missense variant. On other transcripts: intron variant (4).
Genome position (GRCh38, 1-based): chr1:156,137,759, C>T. VCF-style: chr1-156137759-C-T. GRCh37 (hg19) VCF-style: chr1-156107550-C-T.
Other names: c.1471C>T, p.Arg491Cys (NM_001282624.2); c.1714C>T, p.Arg572Cys (NM_001282625.2); c.1698+16C>T (NM_170707.4, NM_001282626.2); c.1608+527C>T (NM_170708.4); c.1362+16C>T (NM_001257374.3); c.1714C>T (NM_005572.3); short protein forms R572C, R491C.
Identifiers: ClinVar variation 200967 (VCV000200967.18), dbSNP rs773169005, ClinGen allele CA017711.
Genomic context (GRCh38, chr1:156,137,759, plus strand): 5'-GACGACGAGGATGAGGATGGAGATGACCTGCTCCATCACCACCACGTGAGTGGTAGCCGC[C>T]GCTGAGGCCGAGCCTGCACTGGGGCCACCCAGCCAGGCCTGGGGGCAGCCTCTCCCCAGC-3'
Protein context (NP_005563.1, residues 562-572): LHHHHVSGSR[Arg572Cys]

ClinVar aggregate classification (germline): Conflicting classifications of pathogenicity. Review status: criteria provided, conflicting classifications (1 of 4 stars). 5 submissions from 5 submitters: Uncertain significance (3); Likely benign (2). Last evaluated 2026-09-22.

Conditions:
LMNA-related disorder. Also called: LMNA-related condition; LMNA-related disease; LMNA-related disorders. Identifiers: MedGen CN380145.
Charcot-Marie-Tooth disease type 2. Also called: Charcot-Marie-Tooth type 2. Identifiers: Orphanet 64746, MedGen C0270914, MONDO:0018993.
Cardiomyopathy (CMYO). Also called: Cardiomyopathies. Identifiers: Orphanet 167848, MedGen C0878544, MONDO:0004994, HP:0001638. Inheritance: Various modes of inheritance.

Allele frequency attached by ClinVar (database versions not stated): ExAC below 0.00001; gnomAD exomes 0.00002 and 0.00014; gnomAD 0.00006 and 0.00007; TOPMed 0.00014.
gnomAD v4.1: 48 of 1,547,722 alleles (0.0031%); highest among the groups gnomAD compares: East Asian, 0.073%; no homozygotes.

Submissions (5):

PreventionGenetics, part of Exact Sciences
Classification: Uncertain significance for LMNA-related condition. Last evaluated: 2026-09-22. Review status: criteria provided, single submitter. Criteria: ACMG Guidelines, 2015. Collection method: clinical testing. Allele origin: germline.
Comment: The LMNA c.1714C>T variant is predicted to result in the amino acid substitution p.Arg572Cys. This variant has been reported in an individual with dilated cardiomyopathy (Sun et al. 2014. PubMed ID: 24831476). This variant is reported in 0.18% of alleles in individuals of East Asian descent in gnomAD, which may be too frequent to be a primary cause of disease. Although we suspect that this variant may be benign, at this time, the clinical significance of this variant is uncertain due to the absence of conclusive functional and genetic evidence.

Labcorp Genetics (formerly Invitae), Labcorp
Classification: Likely benign for Charcot-Marie-Tooth disease type 2. Last evaluated: 2026-01-10. Review status: criteria provided, single submitter. Criteria: Invitae Variant Classification Sherloc (09022015). Collection method: clinical testing. Allele origin: germline.

Color Diagnostics, LLC DBA Color Health
Classification: Likely benign for Cardiomyopathy. Last evaluated: 2025-08-08. Review status: criteria provided, single submitter. Criteria: ACMG Guidelines, 2015. Collection method: clinical testing. Allele origin: germline.

GeneDx
Classification: Uncertain significance. Last evaluated: 2024-01-25. Review status: criteria provided, single submitter. Criteria: GeneDx Variant Classification Process June 2021. Collection method: clinical testing. Allele origin: germline. Affected: yes.
Comment: Identified in a patient with DCM in published literature (PMID: 24831476); In silico analysis supports that this missense variant does not alter protein structure/function; Reported using an alternate transcript of the gene; This variant is associated with the following publications: (PMID: 10939567, 24831476)

Eurofins Ntd Llc (ga)
Classification: Uncertain significance. Last evaluated: 2016-04-20. Review status: criteria provided, single submitter. Criteria: EGL Classification Definitions 2015. Collection method: clinical testing. Allele origin: germline. Observed: 1 variant allele, 1 heterozygote.